The following is an entry in ClinVar:

ClinVar aggregate classification (germline): Uncertain significance (1 of 4 stars; one submission).

Conditions:
Cardiovascular phenotype. Identifiers: MedGen CN230736.

Submission:

Ambry Genetics
Classification: Uncertain significance for Cardiovascular phenotype. Last evaluated: 2026-08-10. Review status: criteria provided, single submitter. Criteria: Ambry Variant Classification Scheme 2023. Collection method: clinical testing. Allele origin: germline.
Comment: The p.D550V variant (also known as c.1649A>T), located in coding exon 13 of the APOB gene, results from an A to T substitution at nucleotide position 1649. The aspartic acid at codon 550 is replaced by valine, an amino acid with highly dissimilar properties. This amino acid position is conserved. In addition, this alteration is predicted to be tolerated by in silico analysis. Based on the available evidence, the clinical significance of this variant remains unclear.

NM_000384.3(APOB):c.1649A>T (p.Asp550Val)

Gene: APOB (apolipoprotein B; minus strand). Cytogenetic location: 2p24.1.
Variant type: single nucleotide variant.
Coding change: c.1649A>T on transcript NM_000384.3 (MANE Select); coding-DNA position 1649, A replaced by T.
Protein change: p.Asp550Val; replaces aspartic acid 550 with valine.
Molecular consequence: missense variant.
Genome position (GRCh38, 1-based): chr2:21,028,507, T>A on the plus strand (A>T on the coding strand, the complement: APOB is on the minus strand). VCF-style: chr2-21028507-T-A. GRCh37 (hg19) VCF-style: chr2-21251379-T-A.
Other names: short protein forms D550V.
Identifiers: ClinVar variation 5027881 (VCV005027881.1).